The following is an entry in ClinVar:

NM_017654.4(SAMD9):c.1253A>G (p.Asn418Ser)

Gene: SAMD9 (sterile alpha motif domain containing 9; minus strand). Cytogenetic location: 7q21.2.
Variant type: single nucleotide variant.
Coding change: c.1253A>G on transcript NM_017654.4 (MANE Select); coding-DNA position 1253, A replaced by G.
Protein change: p.Asn418Ser; replaces asparagine 418 with serine.
Molecular consequence: missense variant.
Genome position (GRCh38, 1-based): chr7:93,104,845, T>C on the plus strand (A>G on the coding strand, the complement: SAMD9 is on the minus strand). VCF-style: chr7-93104845-T-C. GRCh37 (hg19) VCF-style: chr7-92734158-T-C.
Other names: c.1253A>G, p.Asn418Ser (NM_001193307.2); short protein forms N418S.
Identifiers: ClinVar variation 1806487 (VCV001806487.8), dbSNP rs1791603340, ClinGen allele CA368198102.

ClinVar aggregate classification (germline): Uncertain significance. Review status: criteria provided, multiple submitters, no conflicts (2 of 4 stars). 2 submissions from 2 submitters: Uncertain significance (2). Last evaluated 2022-12-21.

Conditions:
MIRAGE syndrome. Also called: MYELODYSPLASIA, INFECTION, RESTRICTION OF GROWTH, ADRENAL HYPOPLASIA, GENITAL PHENOTYPES, AND ENTEROPATHY. Identifiers: Orphanet 494433, MedGen C4284088, MONDO:0014888, OMIM 617053.

Allele frequency attached by ClinVar (database versions not stated): gnomAD exomes below 0.00001; TOPMed below 0.00001.

Submissions (2):

Diagnostics Services (NGS), CSIR - Centre For Cellular And Molecular Biology
Classification: Uncertain significance for MIRAGE syndrome. Last evaluated: 2022-12-21. Review status: criteria provided, single submitter. Criteria: ACMG Guidelines, 2015. Collection method: clinical testing. Allele origin: unknown. Affected: yes. Observed: 1 variant allele, 1 heterozygote.
Comment: The c.1253A>G variant is not present in 1000 Genomes, ExAC, EVS, gnomAD, Indian Exome Database or our in-house exome database. This variant has neither been published in literature nor reported to clinical databases like ClinVar, HGMD and OMIM in any affected individuals. In silico pathogenicity prediction programs like SIFT, Polyphen2, CADD etc predicted this variant to be likely deleterious, however these predictions were not confirmed by any published functional studies.

Labcorp Genetics (formerly Invitae), Labcorp
Classification: Uncertain significance. Last evaluated: 2022-10-08. Review status: criteria provided, single submitter. Criteria: Invitae Variant Classification Sherloc (09022015). Collection method: clinical testing. Allele origin: germline.
Comment: In summary, the available evidence is currently insufficient to determine the role of this variant in disease. Therefore, it has been classified as a Variant of Uncertain Significance. Advanced modeling of protein sequence and biophysical properties (such as structural, functional, and spatial information, amino acid conservation, physicochemical variation, residue mobility, and thermodynamic stability) has been performed at Invitae for this missense variant, however the output from this modeling did not meet the statistical confidence thresholds required to predict the impact of this variant on SAMD9 protein function. This variant has not been reported in the literature in individuals affected with SAMD9-related conditions. This variant is not present in population databases (gnomAD no frequency). This sequence change replaces asparagine, which is neutral and polar, with serine, which is neutral and polar, at codon 418 of the SAMD9 protein (p.Asn418Ser).